The following is an entry in ClinVar:

NM_139027.6(ADAMTS13):c.2936G>A (p.Arg979Gln)

Gene: ADAMTS13 (ADAM metallopeptidase with thrombospondin type 1 motif 13; plus strand). Cytogenetic location: 9q34.2.
Variant type: single nucleotide variant.
Coding change: c.2936G>A on transcript NM_139027.6 (MANE Select); coding-DNA position 2936, G replaced by A.
Protein change: p.Arg979Gln; replaces arginine 979 with glutamine.
Molecular consequence: missense variant. On other transcripts: non-coding transcript variant (1).
Genome position (GRCh38, 1-based): chr9:133,449,857, G>A. VCF-style: chr9-133449857-G-A. GRCh37 (hg19) VCF-style: chr9-136314978-G-A.
Other names: c.2936G>A, p.Arg979Gln (NM_139025.5); c.2843G>A, p.Arg948Gln (NM_139026.6); short protein forms R948Q, R979Q.
Identifiers: ClinVar variation 1163038 (VCV001163038.14), dbSNP rs142779872, ClinGen allele CA200940053.

ClinVar aggregate classification (germline): Conflicting classifications of pathogenicity. Review status: criteria provided, conflicting classifications (1 of 4 stars). 6 submissions from 6 submitters: Uncertain significance (5); Likely benign (1). Last evaluated 2026-01-11.

Conditions:
Upshaw-Schulman syndrome (TTP). Also called: THROMBOTIC THROMBOCYTOPENIC PURPURA, HEREDITARY; Congenital thrombotic thrombocytopenic purpura. Identifiers: Orphanet 93583, MedGen C1268935, MONDO:0010122, OMIM 274150.

Allele frequency attached by ClinVar (database versions not stated): gnomAD exomes 0.00005 and 0.00012; ExAC 0.00019; 1000 Genomes Project 30x 0.00031; ESP Exome Variant Server 0.00038; gnomAD 0.00038 and 0.00041; 1000 Genomes Project 0.00040; TOPMed 0.00042.
gnomAD v4.1: 128 of 1,614,082 alleles (0.0079%); highest among the groups gnomAD compares: African/African-American, 0.13%; no homozygotes.

Submissions (6):

Labcorp Genetics (formerly Invitae), Labcorp
Classification: Likely benign. Last evaluated: 2026-01-11. Review status: criteria provided, single submitter. Criteria: Invitae Variant Classification Sherloc (09022015). Collection method: clinical testing. Allele origin: germline.

Fulgent Genetics
Classification: Uncertain significance for Upshaw-Schulman syndrome. Last evaluated: 2024-06-18. Review status: criteria provided, single submitter. Criteria: ACMG Guidelines, 2015. Collection method: clinical testing. Allele origin: germline.

Clinical Genomics Laboratory, Washington University in St. Louis
Classification: Uncertain significance for Upshaw-Schulman syndrome. Last evaluated: 2024-04-10. Review status: criteria provided, single submitter. Criteria: ACMG Guidelines, 2015. Collection method: clinical testing. Allele origin: germline.
Comment: The ADAMTS13 c.2936G>A (p.Arg979Gln) variant has been reported in an individual affected with glomerulopathy (Drake KA et al,. PMID: 31667615). This variant is only observed on 43/281,884 alleles in the general population (gnomAD v2.1.1). Computational predictors suggest that the variant does not impact ADAMTS13 function. Due to limited information, and based on ACMG/AMP guidelines for variant interpretation (Richards S et al., PMID: 25741868), the clinical significance of the ADAMTS13 c.2936G>A (p.Arg979Gln) variant is uncertain at this time.

Blueprint Genetics
Classification: Uncertain significance. Last evaluated: 2024-02-23. Review status: criteria provided, single submitter. Criteria: ACMG Guidelines, 2015. Collection method: clinical testing. Allele origin: germline.

Women's Health and Genetics/Laboratory Corporation of America, LabCorp
Classification: Uncertain significance. Last evaluated: 2023-12-15. Review status: criteria provided, single submitter. Criteria: LabCorp Variant Classification Summary - May 2015. Collection method: clinical testing. Allele origin: germline.
Comment: Variant summary: ADAMTS13 c.2936G>A (p.Arg979Gln) results in a conservative amino acid change in the encoded protein sequence. Five of five in-silico tools predict a benign effect of the variant on protein function. The variant allele was found at a frequency of 0.00012 in 250558 control chromosomes, predominantly at a frequency of 0.0015 within the African or African-American subpopulation in the gnomAD database. To our knowledge, no occurrence of c.2936G>A in individuals affected with Thrombotic Thrombocytopenic Purpura and no experimental evidence demonstrating its impact on protein function have been reported. Two submitters have cited clinical-significance assessments for this variant to ClinVar after 2014. One submitter classified the variant as likely benign, and one submitter classified the variant as uncertain significance. Based on the evidence outlined above, the variant was classified as uncertain significance.

Mayo Clinic Laboratories, Mayo Clinic
Classification: Uncertain significance. Last evaluated: 2019-12-18. Review status: criteria provided, single submitter. Criteria: ACMG Guidelines, 2015. Collection method: clinical testing. Allele origin: germline. Observed: 2 variant alleles.